The following is an entry in ClinVar:

NM_001098668.4(SFTPA2):c.680T>G (p.Met227Arg)

Gene: SFTPA2 (surfactant protein A2; minus strand). Cytogenetic location: 10q22.3.
Variant type: single nucleotide variant.
Coding change: c.680T>G on transcript NM_001098668.4 (MANE Select); coding-DNA position 680, T replaced by G.
Protein change: p.Met227Arg; replaces methionine 227 with arginine.
Molecular consequence: missense variant.
Genome position (GRCh38, 1-based): chr10:79,557,276, A>C on the plus strand (T>G on the coding strand, the complement: SFTPA2 is on the minus strand). VCF-style: chr10-79557276-A-C. GRCh37 (hg19) VCF-style: chr10-81317032-A-C.
Other names: c.680T>G, p.Met227Arg (NM_001320813.2); c.710T>G, p.Met237Arg (NM_001320814.1); short protein forms M227R, M237R.
Identifiers: ClinVar variation 1691338 (VCV001691338.2), dbSNP rs2132045334, ClinGen allele CA377352732.

ClinVar aggregate classification (germline): Uncertain significance (1 of 4 stars; one submission).

Submission:

Seattle Children's Hospital Molecular Genetics Laboratory, Seattle Children's Hospital
Classification: Uncertain significance. Last evaluated: 2020-04-06. Review status: criteria provided, single submitter. Criteria: ACMG Guidelines, 2015. Collection method: clinical testing. Allele origin: germline. Affected: yes.
Comment: The p.Met227Arg variant substitutes the methionine for arginine at position 227 within the last exon of SFTPA2. This variant has not been observed in large population cohorts (0 of 251,474 alleles; Genome Aggregation Database v2.1). This variant is absent from the medical literature and the patient database ClinVar. This is a moderately conserved amino acid. Some in silico tools predict this change is damaging (EIGEN, FATHMM-MKL, MutationTaster and SIFT), while others predict this change is tolerated (DANN, M-CAP, MVP, PrimateAI and REVEL). SFTPA2 encodes the pulmonary-associated surfactant protein A2. The 248-amino acid (aa) SFTPA2 protein contains a collagen-like region (aa 28-99), a neck domain (aa 100-133), and a C-terminal carbohydrate-recognition domain (aa 134-248) (PMID: 23056344 and UniProtKB - Q8IWL1). Pathogenic variants (p.Gly231Val; p.Gly231Arg) and benign variants (p.Gln 223Lys) have been reported in this region of the carbohydrate-recognition domain (PMID: 26568241).